The following is an entry in ClinVar:

ClinVar aggregate classification (germline): Uncertain significance (1 of 4 stars; one submission).

Conditions:
Familial adenomatous polyposis 1 (FAP1). Also called: FAMILIAL ADENOMATOUS POLYPOSIS 1, ATTENUATED; POLYPOSIS, ADENOMATOUS INTESTINAL. Identifiers: MedGen C2713442, MONDO:0021056, OMIM 175100. Disease mechanism: loss of function.

Submission:

Labcorp Genetics (formerly Invitae), Labcorp
Classification: Uncertain significance for Familial adenomatous polyposis 1. Last evaluated: 2020-09-30. Review status: criteria provided, single submitter. Criteria: Invitae Variant Classification Sherloc (09022015). Collection method: clinical testing. Allele origin: germline.
Comment: This variant occurs in a non-coding region of the APC gene. It does not change the encoded amino acid sequence of the APC protein. In summary, the available evidence is currently insufficient to determine the role of this variant in disease. Therefore, it has been classified as a Variant of Uncertain Significance. Experimental studies and prediction algorithms are not available or were not evaluated, and the functional significance of this variant is currently unknown. This variant has not been reported in the literature in individuals with APC-related conditions. The frequency data for this variant in the population databases is considered unreliable, as metrics indicate insufficient coverage at this position in the ExAC database.

NM_001127511.3(APC):c.-180A>T

Gene: APC (APC regulator of Wnt signaling pathway; plus strand). Cytogenetic location: 5q22.2.
Variant type: single nucleotide variant.
Coding change: c.-180A>T on transcript NM_001127511.3; 180 bases upstream of the start codon, A replaced by T.
Molecular consequence: 5 prime UTR variant. On other transcripts: non-coding transcript variant (2).
Genome position (GRCh38, 1-based): chr5:112,707,538, A>T. VCF-style: chr5-112707538-A-T. GRCh37 (hg19) VCF-style: chr5-112043235-A-T.
Other names: c.-363A>T (NM_001354895.2, NM_001407447.1, NM_001407452.1 and 3 more transcripts); c.-180A>T (NM_001354897.2, NM_001354902.2, NM_001407446.1); c.-130A>T (NM_001407448.1, NM_001407450.1, NM_001407457.1 and 1 more transcripts); c.-154A>T (NM_001407453.1); c.-1398A>T (NM_001407470.1, NM_001407472.1).
Identifiers: ClinVar variation 1060007 (VCV001060007.7), dbSNP rs1750572964, ClinGen allele CA2499217385.
Genomic context (GRCh38, chr5:112,707,538, plus strand): 5'-GCAACACCTCTCACGCATGCGCATTGTAGTCTTCCCACCTCCCACAAGATGGCGGAGGGC[A>T]AGTAGCAAGGGGGCGGGGTGTGGCCGCCGGAAGCCTAGCCGCTGCTCGGGGGGGACCTGC-3'